The following is an entry in ClinVar:

NM_000059.4(BRCA2):c.217C>A (p.Gln73Lys)

Gene: BRCA2 (BRCA2 DNA repair associated; plus strand). Cytogenetic location: 13q13.1.
Variant type: single nucleotide variant.
Coding change: c.217C>A on transcript NM_000059.4 (MANE Select); coding-DNA position 217, C replaced by A.
Protein change: p.Gln73Lys; replaces glutamine 73 with lysine.
Molecular consequence: missense variant. On other transcripts: 5 prime UTR variant (1), non-coding transcript variant (1).
Genome position (GRCh38, 1-based): chr13:32,319,226, C>A. VCF-style: chr13-32319226-C-A. GRCh37 (hg19) VCF-style: chr13-32893363-C-A.
Other names: c.217C>A, p.Gln73Lys (NM_001406719.1, NM_001406720.1, NM_001406721.1 and 1 more transcripts); c.-153C>A (NM_001406722.1); short protein forms Q73K.
Identifiers: ClinVar variation 3482083 (VCV003482083.4).

ClinVar aggregate classification (germline): Uncertain significance. Review status: criteria provided, multiple submitters, no conflicts (2 of 4 stars). 3 submissions from 3 submitters: Uncertain significance (3). Last evaluated 2024-09-22.

Conditions:
Hereditary breast ovarian cancer syndrome. Also called: Hereditary breast and/or ovarian cancer syndrome; BRCA1- and BRCA2-Associated Hereditary Breast and Ovarian Cancer; Hereditary breast and ovarian cancer syndrome (HBOC); Hereditary breast and ovarian cancer syndrome; Breast and ovarian cancer; Hereditary breast and ovarian cancer. Identifiers: Orphanet 145, MedGen C0677776, MeSH D061325, MONDO:0003582. Disease mechanism: loss of function.
Breast-ovarian cancer, familial, susceptibility to, 2 (BROVCA2). Also called: BRCA2 Hereditary Breast and Ovarian Cancer. Identifiers: Orphanet 145, MedGen C2675520, MONDO:0012933, OMIM 612555. Disease mechanism: loss of function.
Familial cancer of breast. Also called: Hereditary breast cancer; hereditary breast carcinoma; BREAST CANCER, FAMILIAL. Identifiers: Orphanet 227535, MedGen C0346153, MONDO:0016419, OMIM 114480. Disease mechanism: loss of function.
Hereditary cancer-predisposing syndrome. Also called: Hereditary Cancer Syndrome; Hereditary neoplastic syndrome; Neoplastic Syndromes, Hereditary; Tumor predisposition. Identifiers: Orphanet 140162, MedGen C0027672, MeSH D009386, MONDO:0015356.

gnomAD v4.1: 1 of 1,613,464 alleles (0.000062%); highest among the groups gnomAD compares: South Asian, 0.0011%; no homozygotes.

Submissions (3):

Ambry Genetics
Classification: Uncertain significance for Hereditary cancer-predisposing syndrome. Last evaluated: 2024-09-22. Review status: criteria provided, single submitter. Criteria: Ambry Variant Classification Scheme 2023. Collection method: clinical testing. Allele origin: germline.
Comment: The p.Q73K variant (also known as c.217C>A), located in coding exon 2 of the BRCA2 gene, results from a C to A substitution at nucleotide position 217. The glutamine at codon 73 is replaced by lysine, an amino acid with similar properties. This amino acid position is well conserved in available vertebrate species. In addition, this alteration is predicted to be tolerated by in silico analysis. Based on the available evidence, the clinical significance of this variant remains unclear.

Labcorp Genetics (formerly Invitae), Labcorp
Classification: Uncertain significance for Hereditary breast ovarian cancer syndrome. Last evaluated: 2024-09-03. Review status: criteria provided, single submitter. Criteria: Invitae Variant Classification Sherloc (09022015). Collection method: clinical testing. Allele origin: germline.
Comment: This sequence change replaces glutamine, which is neutral and polar, with lysine, which is basic and polar, at codon 73 of the BRCA2 protein (p.Gln73Lys). This variant is not present in population databases (gnomAD no frequency). This variant has not been reported in the literature in individuals affected with BRCA2-related conditions. Invitae Evidence Modeling of protein sequence and biophysical properties (such as structural, functional, and spatial information, amino acid conservation, physicochemical variation, residue mobility, and thermodynamic stability) indicates that this missense variant is not expected to disrupt BRCA2 protein function with a negative predictive value of 95%. In summary, the available evidence is currently insufficient to determine the role of this variant in disease. Therefore, it has been classified as a Variant of Uncertain Significance.

Department of Pathology and Laboratory Medicine, Sinai Health System
Classification: Uncertain significance for Familial cancer of breast; Breast-ovarian cancer, familial, susceptibility to, 2. Last evaluated: 2021-05-25. Review status: criteria provided, single submitter. Criteria: ACMG Guidelines, 2015. Collection method: clinical testing. Allele origin: germline. Affected: yes.